The following is an entry in ClinVar:

ClinVar aggregate classification (germline): Uncertain significance. Review status: criteria provided, multiple submitters, no conflicts (2 of 4 stars). 2 submissions from 2 submitters: Uncertain significance (2). Last evaluated 2025-10-09.

Allele frequency attached by ClinVar (database versions not stated): TOPMed 0.00002; gnomAD 0.00003; ESP Exome Variant Server 0.00008.
gnomAD v4.1: 13 of 1,613,768 alleles (0.00081%); highest among the groups gnomAD compares: Non-Finnish European, 0.0011%; no homozygotes.

Submissions (2):

Labcorp Genetics (formerly Invitae), Labcorp
Classification: Uncertain significance. Last evaluated: 2025-10-09. Review status: criteria provided, single submitter. Criteria: Invitae Variant Classification Sherloc (09022015). Collection method: clinical testing. Allele origin: germline.
Comment: This sequence change replaces proline, which is neutral and non-polar, with threonine, which is neutral and polar, at codon 274 of the KLHL7 protein (p.Pro274Thr). This variant is present in population databases (rs369326533, gnomAD 0.003%). This variant has not been reported in the literature in individuals affected with KLHL7-related conditions. ClinVar contains an entry for this variant (Variation ID: 1512074). An algorithm developed to predict the effect of missense changes on protein structure and function (PolyPhen-2) suggests that this variant is likely to be tolerated. In summary, the available evidence is currently insufficient to determine the role of this variant in disease. Therefore, it has been classified as a Variant of Uncertain Significance.

Blueprint Genetics
Classification: Uncertain significance. Last evaluated: 2022-09-02. Review status: criteria provided, single submitter. Criteria: ACMG Guidelines, 2015. Collection method: clinical testing. Allele origin: germline.

NM_001031710.3(KLHL7):c.820C>A (p.Pro274Thr)

Gene: KLHL7 (kelch like family member 7; plus strand). Cytogenetic location: 7p15.3.
Variant type: single nucleotide variant.
Coding change: c.820C>A on transcript NM_001031710.3 (MANE Select); coding-DNA position 820, C replaced by A.
Protein change: p.Pro274Thr; replaces proline 274 with threonine.
Molecular consequence: missense variant. On other transcripts: non-coding transcript variant (1).
Genome position (GRCh38, 1-based): chr7:23,152,093, C>A. VCF-style: chr7-23152093-C-A. GRCh37 (hg19) VCF-style: chr7-23191712-C-A.
Other names: c.676C>A, p.Pro226Thr (NM_018846.5); short protein forms P274T, P226T.
Identifiers: ClinVar variation 1512074 (VCV001512074.9), dbSNP rs369326533, ClinGen allele CA155242463.